The following is an entry in ClinVar:

ClinVar aggregate classification (germline): Conflicting classifications of pathogenicity. Review status: criteria provided, conflicting classifications (1 of 4 stars). 2 submissions from 2 submitters: Uncertain significance (1); Likely benign (1). Last evaluated 2023-01-27.

Conditions:
Inborn genetic diseases. Identifiers: MedGen C0950123, MeSH D030342.

Allele frequency attached by ClinVar (database versions not stated): ESP Exome Variant Server 0.00008; 1000 Genomes Project 30x 0.00016; 1000 Genomes Project 0.00020.
gnomAD v4.1: 225 of 1,613,090 alleles (0.014%); highest among the groups gnomAD compares: Middle Eastern, 0.16%; no homozygotes.

Submissions (2):

Labcorp Genetics (formerly Invitae), Labcorp
Classification: Uncertain significance. Last evaluated: 2023-01-27. Review status: criteria provided, single submitter. Criteria: Invitae Variant Classification Sherloc (09022015). Collection method: clinical testing. Allele origin: germline.
Comment: This sequence change replaces valine, which is neutral and non-polar, with isoleucine, which is neutral and non-polar, at codon 644 of the H6PD protein (p.Val644Ile). This variant is present in population databases (rs374802298, gnomAD 0.09%). This variant has not been reported in the literature in individuals affected with H6PD-related conditions. Advanced modeling of protein sequence and biophysical properties (such as structural, functional, and spatial information, amino acid conservation, physicochemical variation, residue mobility, and thermodynamic stability) performed at Invitae indicates that this missense variant is not expected to disrupt H6PD protein function. In summary, the available evidence is currently insufficient to determine the role of this variant in disease. Therefore, it has been classified as a Variant of Uncertain Significance.

Ambry Genetics
Classification: Likely benign for Inborn genetic diseases. Last evaluated: 2021-12-07. Review status: criteria provided, single submitter. Criteria: Ambry Variant Classification Scheme 2023. Collection method: clinical testing. Allele origin: germline.

NM_004285.4(H6PD):c.1930G>A (p.Val644Ile)

Gene: H6PD (hexose-6-phosphate dehydrogenase/glucose 1-dehydrogenase; plus strand). Cytogenetic location: 1p36.22.
Variant type: single nucleotide variant.
Coding change: c.1930G>A on transcript NM_004285.4 (MANE Select); coding-DNA position 1930, G replaced by A.
Protein change: p.Val644Ile; replaces valine 644 with isoleucine.
Molecular consequence: missense variant.
Genome position (GRCh38, 1-based): chr1:9,264,423, G>A. VCF-style: chr1-9264423-G-A. GRCh37 (hg19) VCF-style: chr1-9324482-G-A.
Other names: c.1963G>A, p.Val655Ile (NM_001282587.2); c.1930G>A (NM_004285.3); short protein forms V655I, V644I.
Identifiers: ClinVar variation 2064790 (VCV002064790.4), dbSNP rs374802298, ClinGen allele CA575469.